The following is an entry in ClinVar:

NM_001288705.3(CSF1R):c.2132+5C>T

Gene: CSF1R (colony stimulating factor 1 receptor; minus strand). Cytogenetic location: 5q32.
Variant type: single nucleotide variant.
Coding change: c.2132+5C>T on transcript NM_001288705.3 (MANE Select); 5 bases into the intron after coding-DNA position 2132, C replaced by T.
Molecular consequence: intron variant.
Genome position (GRCh38, 1-based): chr5:150,059,695, G>A on the plus strand (C>T on the coding strand, the complement: CSF1R is on the minus strand). VCF-style: chr5-150059695-G-A. GRCh37 (hg19) VCF-style: chr5-149439258-G-A.
Other names: c.1688+5C>T (NM_001375321.1); c.2132+5C>T (NM_005211.4, NM_001375320.1, NM_001349736.2).
Identifiers: ClinVar variation 352141 (VCV000352141.16), dbSNP rs17110908, ClinGen allele CA3506568.

ClinVar aggregate classification (germline): Benign. Review status: criteria provided, multiple submitters, no conflicts (2 of 4 stars). 6 submissions from 6 submitters: Benign (4). 2 of the submissions do not count toward it. Last evaluated 2026-02-01.

Conditions:
Hereditary diffuse leukoencephalopathy with spheroids. Also called: LEUKOENCEPHALOPATHY, ADULT-ONSET, WITH AXONAL SPHEROIDS AND PIGMENTED GLIA. Identifiers: Orphanet 313808, MedGen C3711381, MONDO:0030796.

Allele frequency attached by ClinVar (database versions not stated): ESP Exome Variant Server 0.05613; 1000 Genomes Project 0.05092; 1000 Genomes Project 30x 0.05200; TOPMed 0.05298.
gnomAD v4.1: 13,924 of 1,613,070 alleles (0.86%); highest among the groups gnomAD compares: African/African-American, 16%; 966 homozygotes.

Submissions (6):

Labcorp Genetics (formerly Invitae), Labcorp
Classification: Benign. Last evaluated: 2026-02-01. Review status: criteria provided, single submitter. Criteria: Invitae Variant Classification Sherloc (09022015). Collection method: clinical testing. Allele origin: germline.

Mayo Clinic Laboratories, Mayo Clinic
Classification: Benign. Last evaluated: 2022-03-24. Review status: criteria provided, single submitter. Criteria: ACMG Guidelines, 2015. Collection method: clinical testing. Allele origin: germline. Observed: 21 variant alleles.

GeneDx
Classification: Benign. Last evaluated: 2021-05-04. Review status: criteria provided, single submitter. Criteria: GeneDx Variant Classification Process June 2021. Collection method: clinical testing. Allele origin: germline. Affected: yes.

Illumina Laboratory Services, Illumina
Classification: Benign for Leukoencephalopathy, diffuse hereditary, with spheroids 1. Last evaluated: 2017-04-27. Review status: criteria provided, single submitter. Criteria: ICSL Variant Classification Criteria 13 December 2019. Collection method: clinical testing. Allele origin: germline.
Comment: This variant was observed as part of a predisposition screen in an ostensibly healthy population. A literature search was performed for the gene, cDNA change, and amino acid change (where applicable). No publications were found based on this search. Allele frequency data from public databases was too high to be consistent with this variant causing disease. Therefore, this variant is classified as benign.

Genome Diagnostics Laboratory, Amsterdam University Medical Center
Classification: Likely benign. Review status: no assertion criteria provided. Collection method: clinical testing. Allele origin: germline. Affected: yes. Study: VKGL Data-share Consensus. Not counted in ClinVar's aggregate classification.

Laboratory of Diagnostic Genome Analysis, Leiden University Medical Center (LUMC)
Classification: Benign. Review status: no assertion criteria provided. Collection method: clinical testing. Allele origin: germline. Affected: yes. Study: VKGL Data-share Consensus. Not counted in ClinVar's aggregate classification.